The following is an entry in ClinVar:

ClinVar aggregate classification (germline): Uncertain significance (1 of 4 stars; one submission).

Allele frequency attached by ClinVar (database versions not stated): gnomAD exomes below 0.00001.
gnomAD v4.1: 1 of 1,614,142 alleles (0.000062%); highest among the groups gnomAD compares: Non-Finnish European, 0.000085%; no homozygotes.

Submission:

Labcorp Genetics (formerly Invitae), Labcorp
Classification: Uncertain significance. Last evaluated: 2024-12-09. Review status: criteria provided, single submitter. Criteria: Invitae Variant Classification Sherloc (09022015). Collection method: clinical testing. Allele origin: germline.
Comment: This sequence change replaces glutamic acid, which is acidic and polar, with aspartic acid, which is acidic and polar, at codon 716 of the AHR protein (p.Glu716Asp). This variant is not present in population databases (gnomAD no frequency). This variant has not been reported in the literature in individuals affected with AHR-related conditions. ClinVar contains an entry for this variant (Variation ID: 1057480). An algorithm developed to predict the effect of missense changes on protein structure and function (PolyPhen-2) suggests that this variant is likely to be tolerated. In summary, the available evidence is currently insufficient to determine the role of this variant in disease. Therefore, it has been classified as a Variant of Uncertain Significance.

NM_001621.5(AHR):c.2148G>T (p.Glu716Asp)

Gene: AHR (aryl hydrocarbon receptor; plus strand). Cytogenetic location: 7p21.1.
Variant type: single nucleotide variant.
Coding change: c.2148G>T on transcript NM_001621.5 (MANE Select); coding-DNA position 2148, G replaced by T.
Protein change: p.Glu716Asp; replaces glutamic acid 716 with aspartic acid.
Molecular consequence: missense variant.
Genome position (GRCh38, 1-based): chr7:17,339,973, G>T. VCF-style: chr7-17339973-G-T. GRCh37 (hg19) VCF-style: chr7-17379597-G-T.
Other names: short protein forms E716D.
Identifiers: ClinVar variation 1057480 (VCV001057480.9), dbSNP rs2115370298, ClinGen allele CA366896219.